The following is an entry in ClinVar:

NM_005475.3(SH2B3):c.631A>G (p.Met211Val)

Gene: SH2B3 (SH2B adaptor protein 3; plus strand). Cytogenetic location: 12q24.12.
Variant type: single nucleotide variant.
Coding change: c.631A>G on transcript NM_005475.3 (MANE Select); coding-DNA position 631, A replaced by G.
Protein change: p.Met211Val; replaces methionine 211 with valine.
Molecular consequence: missense variant.
Genome position (GRCh38, 1-based): chr12:111,418,776, A>G. VCF-style: chr12-111418776-A-G. GRCh37 (hg19) VCF-style: chr12-111856580-A-G.
Other names: p.Met211Val; short protein forms M211V.
Identifiers: ClinVar variation 2322874 (VCV002322874.4), dbSNP rs778186029, ClinGen allele CA6789690.

ClinVar aggregate classification (germline): Uncertain significance. Review status: criteria provided, multiple submitters, no conflicts (2 of 4 stars). 2 submissions from 2 submitters: Uncertain significance (2). Last evaluated 2025-07-03.

Conditions:
Inborn genetic diseases. Identifiers: MedGen C0950123, MeSH D030342.

Allele frequency attached by ClinVar (database versions not stated): 1000 Genomes Project 30x 0.00016; gnomAD 0.00002.

Submissions (2):

Mayo Clinic Laboratories, Mayo Clinic
Classification: Uncertain significance. Last evaluated: 2025-07-03. Review status: criteria provided, single submitter. Criteria: ACMG Guidelines, 2015. Collection method: clinical testing. Allele origin: germline. Observed: 1 variant allele.
Comment: BP4_moderate, PM2_supporting

Ambry Genetics
Classification: Uncertain significance for Inborn genetic diseases. Last evaluated: 2024-12-08. Review status: criteria provided, single submitter. Criteria: Ambry Variant Classification Scheme 2023. Collection method: clinical testing. Allele origin: germline.
Comment: The p.M211V variant (also known as c.631A>G), located in coding exon 1 of the SH2B3 gene, results from an A to G substitution at nucleotide position 631. The methionine at codon 211 is replaced by valine, an amino acid with highly similar properties. This amino acid position is conserved. In addition, this alteration is predicted to be tolerated by in silico analysis. Based on the available evidence, the clinical significance of this variant remains unclear.